The following is an entry in ClinVar:

NM_004519.4(KCNQ3):c.*6956A>G

Gene: KCNQ3 (potassium voltage-gated channel subfamily Q member 3; minus strand). Cytogenetic location: 8q24.22.
Variant type: single nucleotide variant.
Coding change: c.*6956A>G on transcript NM_004519.4 (MANE Select); 6956 bases downstream of the stop codon, A replaced by G.
Molecular consequence: 3 prime UTR variant.
Genome position (GRCh38, 1-based): chr8:132,122,306, T>C on the plus strand (A>G on the coding strand, the complement: KCNQ3 is on the minus strand). VCF-style: chr8-132122306-T-C. GRCh37 (hg19) VCF-style: chr8-133134553-T-C.
Other names: c.*6956A>G (NM_001204824.2).
Identifiers: ClinVar variation 361766 (VCV000361766.7), dbSNP rs2469630, ClinGen allele CA10624729.

ClinVar aggregate classification (germline): Benign. Review status: criteria provided, multiple submitters, no conflicts (2 of 4 stars). 2 submissions from 2 submitters: Benign (2). Last evaluated 2018-01-12.

Conditions:
Seizures, benign familial neonatal, 2. Also called: CONVULSIONS, BENIGN FAMILIAL NEONATAL, 2; KCNQ3-Related Self-Limited Familial Neonatal Epilepsy (SLFNE); Benign Neonatal Epilepsy 2; KCNQ3-Related Benign Familial Neonatal Epilepsy; Seizures, benign neonatal, 2. Identifiers: Orphanet 1949, MedGen C1852581, MONDO:0007366, OMIM 121201.

Allele frequency attached by ClinVar (database versions not stated): TOPMed 0.19821; gnomAD 0.20483 and 0.20752; gnomAD exomes 0.50000; 1000 Genomes Project 0.13598; 1000 Genomes Project 30x 0.13726.
gnomAD v4.1: 31,475 of 151,958 alleles (21%); highest among the groups gnomAD compares: Middle Eastern, 31%; 3,759 homozygotes.

Submissions (2):

Illumina Laboratory Services, Illumina
Classification: Benign for Seizures, benign familial neonatal, 2. Last evaluated: 2018-01-12. Review status: criteria provided, single submitter. Criteria: ICSL Variant Classification Criteria 13 December 2019. Collection method: clinical testing. Allele origin: germline.
Comment: This variant was observed in the ICSL laboratory as part of a predisposition screen in an ostensibly healthy population. It had not been previously curated by ICSL or reported in the Human Gene Mutation Database (HGMD: prior to June 1st, 2018), and was therefore a candidate for classification through an automated scoring system. Utilizing variant allele frequency, disease prevalence and penetrance estimates, and inheritance mode, an automated score was calculated to assess if this variant is too frequent to cause the disease. Based on the score and internal cut-off values, a variant classified as benign is not then subjected to further curation. The score for this variant resulted in a classification of benign for this disease.

Breakthrough Genomics
Classification: Benign. Review status: criteria provided, single submitter. Criteria: ACMG Guidelines, 2015. Collection method: not provided. Allele origin: germline. Inheritance: Autosomal dominant inheritance. Affected: yes.